The following is an entry in ClinVar:

ClinVar aggregate classification (germline): Uncertain significance. Review status: criteria provided, multiple submitters, no conflicts (2 of 4 stars). 3 submissions from 3 submitters: Uncertain significance (2). 1 of the submissions does not count toward it. Last evaluated 2025-02-03.

Conditions:
TYR-related disorder. Also called: TYR-related condition.

Allele frequency attached by ClinVar (database versions not stated): gnomAD exomes below 0.00001; TOPMed below 0.00001.
gnomAD v4.1: 8 of 1,613,362 alleles (0.0005%); highest among the groups gnomAD compares: Non-Finnish European, 0.00068%; no homozygotes.

Submissions (3):

Labcorp Genetics (formerly Invitae), Labcorp
Classification: Uncertain significance. Last evaluated: 2025-02-03. Review status: criteria provided, single submitter. Criteria: Invitae Variant Classification Sherloc (09022015). Collection method: clinical testing. Allele origin: germline.
Comment: This sequence change replaces glutamic acid, which is acidic and polar, with lysine, which is basic and polar, at codon 281 of the TYR protein (p.Glu281Lys). This variant is present in population databases (rs142629239, gnomAD 0.002%). This variant has not been reported in the literature in individuals affected with TYR-related conditions. ClinVar contains an entry for this variant (Variation ID: 437176). Invitae Evidence Modeling of protein sequence and biophysical properties (such as structural, functional, and spatial information, amino acid conservation, physicochemical variation, residue mobility, and thermodynamic stability) has been performed for this missense variant. However, the output from this modeling did not meet the statistical confidence thresholds required to predict the impact of this variant on TYR protein function. In summary, the available evidence is currently insufficient to determine the role of this variant in disease. Therefore, it has been classified as a Variant of Uncertain Significance.

Genetic Services Laboratory, University of Chicago
Classification: Uncertain significance. Last evaluated: 2016-04-07. Review status: criteria provided, single submitter. Criteria: ACMG Guidelines, 2015. Collection method: clinical testing. Allele origin: germline. Affected: no.

PreventionGenetics, part of Exact Sciences
Classification: Uncertain significance for TYR-related condition. Last evaluated: 2024-01-04. Review status: no assertion criteria provided. Collection method: clinical testing. Allele origin: germline. Not counted in ClinVar's aggregate classification.
Comment: The TYR c.841G>A variant is predicted to result in the amino acid substitution p.Glu281Lys. To our knowledge, this variant has not been reported in the literature. This variant is reported in 0.0018% of alleles in individuals of European (Non-Finnish) descent in gnomAD. At this time, the clinical significance of this variant is uncertain due to the absence of conclusive functional and genetic evidence.

NM_000372.5(TYR):c.841G>A (p.Glu281Lys)

Gene: TYR (tyrosinase; plus strand). Cytogenetic location: 11q14.3.
Variant type: single nucleotide variant.
Coding change: c.841G>A on transcript NM_000372.5 (MANE Select); coding-DNA position 841, G replaced by A.
Protein change: p.Glu281Lys; replaces glutamic acid 281 with lysine.
Molecular consequence: missense variant.
Genome position (GRCh38, 1-based): chr11:89,191,223, G>A. VCF-style: chr11-89191223-G-A. GRCh37 (hg19) VCF-style: chr11-88924391-G-A.
Other names: short protein forms E281K.
Identifiers: ClinVar variation 437176 (VCV000437176.10), dbSNP rs142629239, ClinGen allele CA6221235.